The following is an entry in ClinVar:

ClinVar aggregate classification (germline): Likely pathogenic (1 of 4 stars; one submission).

Conditions:
NT5E-related disorder. Also called: NT5E-related condition.

Allele frequency attached by ClinVar (database versions not stated): gnomAD 0.00001; TOPMed 0.00002; ExAC 0.00003; gnomAD exomes 0.00005.
gnomAD v4.1: 34 of 1,613,908 alleles (0.0021%); highest among the groups gnomAD compares: Admixed American, 0.022%; no homozygotes.

Submission:

PreventionGenetics, part of Exact Sciences
Classification: Likely pathogenic for NT5E-related condition. Last evaluated: 2025-10-08. Review status: criteria provided, single submitter. Criteria: ACMG Guidelines, 2015. Collection method: clinical testing. Allele origin: germline.
Comment: The NT5E c.1387C>T variant is predicted to result in premature protein termination (p.Arg463*). This variant has been reported in an individual with calcification of joints and arteries (Zhang et al. 2015. PubMed ID: 26178434). This variant is reported in 0.031% of alleles in individuals of Latino descent in gnomAD. Nonsense variants in NT5E are expected to be pathogenic. This variant is interpreted as likely pathogenic.

NM_002526.4(NT5E):c.1387C>T (p.Arg463Ter)

Gene: NT5E (5'-nucleotidase ecto; plus strand). Cytogenetic location: 6q14.3.
Variant type: single nucleotide variant.
Coding change: c.1387C>T on transcript NM_002526.4 (MANE Select); coding-DNA position 1387, C replaced by T.
Protein change: p.Arg463Ter; replaces arginine 463 with a stop codon.
Molecular consequence: nonsense.
Genome position (GRCh38, 1-based): chr6:85,492,003, C>T. VCF-style: chr6-85492003-C-T. GRCh37 (hg19) VCF-style: chr6-86201721-C-T.
Other names: c.1387C>T (NM_002526.3); c.1237C>T, p.Arg413Ter (NM_001204813.2); short protein forms R413*, R463*.
Identifiers: ClinVar variation 1339940 (VCV001339940.3), dbSNP rs755218216, ClinGen allele CA3911640.
Genomic context (GRCh38, chr6:85,492,003, plus strand): 5'-GGATCTGGTGAAAACAGATTCATTTCTTTTCTAGGAATCCATGTGGTGTATGATCTTTCC[C>T]GAAAACCTGGAGACAGAGTAGTCAAATTAGATGTTCTTTGCACCAAGTGTCGAGTGCCCA-3'